The following is an entry in ClinVar:

NM_004360.5(CDH1):c.1702A>G (p.Thr568Ala)

Gene: CDH1 (cadherin 1; plus strand). Cytogenetic location: 16q22.1.
Variant type: single nucleotide variant.
Coding change: c.1702A>G on transcript NM_004360.5 (MANE Select); coding-DNA position 1702, A replaced by G.
Protein change: p.Thr568Ala; replaces threonine 568 with alanine.
Molecular consequence: missense variant. On other transcripts: intron variant (1).
Genome position (GRCh38, 1-based): chr16:68,819,416, A>G. VCF-style: chr16-68819416-A-G. GRCh37 (hg19) VCF-style: chr16-68853319-A-G.
Other names: c.1702A>G (LRG_301t1); c.1519A>G, p.Thr507Ala (NM_001317184.2); c.154A>G, p.Thr52Ala (NM_001317185.2); c.-254-2585A>G (NM_001317186.2); short protein forms T568A, T507A, T52A.
Identifiers: ClinVar variation 406660 (VCV000406660.22), dbSNP rs1060501242, ClinGen allele CA16615246.

ClinVar aggregate classification (germline): Conflicting classifications of pathogenicity. Review status: criteria provided, conflicting classifications (1 of 4 stars). 5 submissions from 5 submitters: Uncertain significance (4); Likely benign (1). Last evaluated 2025-10-07.

Conditions:
Hereditary cancer-predisposing syndrome. Also called: Tumor predisposition; Neoplastic Syndromes, Hereditary; Hereditary Cancer Syndrome; Hereditary neoplastic syndrome. Identifiers: Orphanet 140162, MedGen C0027672, MeSH D009386, MONDO:0015356.
Hereditary diffuse gastric adenocarcinoma (HDGC). Also called: DIFFUSE GASTRIC AND LOBULAR BREAST CANCER SYNDROME. Identifiers: Orphanet 26106, MedGen C1708349, MONDO:0007648, OMIM 137215.

Allele frequency attached by ClinVar (database versions not stated): gnomAD exomes below 0.00001.
gnomAD v4.1: 1 of 1,613,542 alleles (0.000062%); highest among the groups gnomAD compares: Non-Finnish European, 0.000085%; no homozygotes.

Submissions (5):

Ambry Genetics
Classification: Likely benign for Hereditary cancer-predisposing syndrome. Last evaluated: 2025-10-07. Review status: criteria provided, single submitter. Criteria: Ambry Variant Classification Scheme 2023. Collection method: clinical testing. Allele origin: germline.

Labcorp Genetics (formerly Invitae), Labcorp
Classification: Uncertain significance for Hereditary diffuse gastric adenocarcinoma. Last evaluated: 2023-06-15. Review status: criteria provided, single submitter. Criteria: Invitae Variant Classification Sherloc (09022015). Collection method: clinical testing. Allele origin: germline.
Comment: In summary, the available evidence is currently insufficient to determine the role of this variant in disease. Therefore, it has been classified as a Variant of Uncertain Significance. An algorithm developed to predict the effect of missense changes on protein structure and function (PolyPhen-2) suggests that this variant¬†is likely to be tolerated. ClinVar contains an entry for this variant (Variation ID: 406660). This missense change has been observed in individual(s) with breast cancer (PMID: 36436516). This variant is not present in population databases (gnomAD no frequency). This sequence change replaces threonine, which is neutral and polar, with alanine, which is neutral and non-polar, at codon 568 of the CDH1 protein (p.Thr568Ala).

European Reference Network on Genetic Tumour Risk Syndromes (ERN-GENTURIS), i3s - Instituto de Investigação e Inovação em Saúde, University of Porto
Classification: Uncertain significance for Hereditary diffuse gastric adenocarcinoma. Last evaluated: 2022-08-01. Review status: criteria provided, single submitter. Criteria: Lee et al. (Hum Mutat. 2018). Collection method: clinical testing. Allele origin: germline. Inheritance: Autosomal dominant inheritance. Affected: no. Study: ERN GENTURIS.
Comment: PM2 (PMID: 30311375)

Color Diagnostics, LLC DBA Color Health
Classification: Uncertain significance for Hereditary cancer-predisposing syndrome. Last evaluated: 2020-11-24. Review status: criteria provided, single submitter. Criteria: ACMG Guidelines, 2015. Collection method: clinical testing. Allele origin: germline.
Comment: This missense variant replaces threonine with alanine at codon 568 of the CDH1 protein. To our knowledge, functional studies have not been reported for this variant. This variant has not been reported in individuals affected with hereditary cancer in the literature. This variant has not been identified in the general population by the Genome Aggregation Database (gnomAD). The available evidence is insufficient to determine the role of this variant in disease conclusively. Therefore, this variant is classified as a Variant of Uncertain Significance.

Quest Diagnostics Nichols Institute San Juan Capistrano
Classification: Uncertain significance. Last evaluated: 2020-09-14. Review status: criteria provided, single submitter. Criteria: Quest Diagnostics criteria. Collection method: clinical testing. Allele origin: unknown.

Literature cited by the submitters: PubMed 36436516 (cited by Labcorp Genetics (formerly Invitae), Labcorp and European Reference Network on Genetic Tumour Risk Syndromes (ERN-GENTURIS), i3s - Instituto de Investigação e Inovação em Saúde, University of Porto).